The following is an entry in ClinVar:

NM_000057.4(BLM):c.3505G>A (p.Ala1169Thr)

Gene: BLM (BLM RecQ like helicase; plus strand). Cytogenetic location: 15q26.1.
Variant type: single nucleotide variant.
Coding change: c.3505G>A on transcript NM_000057.4 (MANE Select); coding-DNA position 3505, G replaced by A.
Protein change: p.Ala1169Thr; replaces alanine 1169 with threonine.
Molecular consequence: missense variant. On other transcripts: intron variant (1).
Genome position (GRCh38, 1-based): chr15:90,803,667, G>A. VCF-style: chr15-90803667-G-A. GRCh37 (hg19) VCF-style: chr15-91346897-G-A.
Other names: c.3505G>A, p.Ala1169Thr (NM_001287246.2); c.2380G>A, p.Ala794Thr (NM_001287248.2); c.3358+5330G>A (NM_001287247.2); short protein forms A1169T, A794T.
Identifiers: ClinVar variation 524814 (VCV000524814.18), dbSNP rs777492549, ClinGen allele CA7739047.

ClinVar aggregate classification (germline): Conflicting classifications of pathogenicity. Review status: criteria provided, conflicting classifications (1 of 4 stars). 6 submissions from 6 submitters: Uncertain significance (4); Benign (1). 1 of the submissions does not count toward it. Last evaluated 2025-01-16.

Conditions:
Hereditary cancer-predisposing syndrome. Also called: Neoplastic Syndromes, Hereditary; Hereditary neoplastic syndrome; Tumor predisposition; Hereditary Cancer Syndrome. Identifiers: Orphanet 140162, MedGen C0027672, MeSH D009386, MONDO:0015356.
Ovarian cancer. Also called: OVARIAN CANCER, SOMATIC. Identifiers: Orphanet 213500, MedGen C1140680, MONDO:0008170, OMIM 167000.
Bloom syndrome (BLM). Also called: Bloom-Torre-Machacek syndrome. Identifiers: Orphanet 125, MedGen C0005859, MONDO:0008876, OMIM 210900.

Allele frequency attached by ClinVar (database versions not stated): gnomAD 0.00001; TOPMed 0.00002; ExAC 0.00006; gnomAD exomes 0.00007.
gnomAD v4.1: 21 of 1,614,002 alleles (0.0013%); highest among the groups gnomAD compares: Admixed American, 0.025%; no homozygotes.

Submissions (6):

Labcorp Genetics (formerly Invitae), Labcorp
Classification: Uncertain significance for Bloom syndrome. Last evaluated: 2025-01-16. Review status: criteria provided, single submitter. Criteria: Invitae Variant Classification Sherloc (09022015). Collection method: clinical testing. Allele origin: germline.
Comment: This sequence change replaces alanine, which is neutral and non-polar, with threonine, which is neutral and polar, at codon 1169 of the BLM protein (p.Ala1169Thr). This variant is present in population databases (rs777492549, gnomAD 0.04%). This variant has not been reported in the literature in individuals affected with BLM-related conditions. ClinVar contains an entry for this variant (Variation ID: 524814). Invitae Evidence Modeling of protein sequence and biophysical properties (such as structural, functional, and spatial information, amino acid conservation, physicochemical variation, residue mobility, and thermodynamic stability) indicates that this missense variant is not expected to disrupt BLM protein function with a negative predictive value of 80%. In summary, the available evidence is currently insufficient to determine the role of this variant in disease. Therefore, it has been classified as a Variant of Uncertain Significance.

Quest Diagnostics Nichols Institute San Juan Capistrano
Classification: Uncertain significance. Last evaluated: 2023-12-27. Review status: criteria provided, single submitter. Criteria: Quest Diagnostics criteria. Collection method: clinical testing. Allele origin: unknown.
Comment: The BLM c.3505G>A (p.Ala1169Thr) variant has been reported in the published literature in identified in a reportedly healthy individual (PMID: 29641532 (2018)). The frequency of this variant in the general population, 0.00043 (15/34592 chromosomes (Genome Aggregation Database)), is uninformative in the assessment of its pathogenicity. Analysis of this variant using bioinformatics tools for the prediction of the effect of amino acid changes on protein structure and function yielded predictions that this variant is benign. Based on the available information, we are unable to determine the clinical significance of this variant.

Ambry Genetics
Classification: Uncertain significance for Hereditary cancer-predisposing syndrome. Last evaluated: 2023-03-16. Review status: criteria provided, single submitter. Criteria: Ambry Variant Classification Scheme 2023. Collection method: clinical testing. Allele origin: germline.
Comment: The p.A1169T variant (also known as c.3505G>A), located in coding exon 17 of the BLM gene, results from a G to A substitution at nucleotide position 3505. The alanine at codon 1169 is replaced by threonine, an amino acid with similar properties. This alteration was identified in 1/1358 non-cancer control individuals and was not observed in 57 cases, in a study looking at cancer predisposition mutations in patients with cutaneous melanoma and a history of at least two additional non-cutaneous melanoma primary cancers (Pritchard AL et al. PLoS One, 2018 Apr;13:e0194098).This amino acid position is well conserved in available vertebrate species. In addition, this alteration is predicted to be tolerated by in silico analysis. Since supporting evidence is limited at this time, the clinical significance of this alteration remains unclear.

Laboratory of Molecular Epidemiology of Birth Defects, West China Second University Hospital, Sichuan University
Classification: Benign for Ovarian cancer. Last evaluated: 2022-01-01. Review status: criteria provided, single submitter. Criteria: ACMG Guidelines, 2015. Collection method: clinical testing. Allele origin: germline. Affected: yes.

Fulgent Genetics
Classification: Uncertain significance for Bloom syndrome. Last evaluated: 2021-09-09. Review status: criteria provided, single submitter. Criteria: ACMG Guidelines, 2015. Collection method: clinical testing. Allele origin: unknown.

Natera, Inc.
Classification: Uncertain significance for Bloom syndrome. Last evaluated: 2018-10-29. Review status: no assertion criteria provided. Collection method: clinical testing. Allele origin: germline. Not counted in ClinVar's aggregate classification.

Literature cited by the submitters: PubMed 29641532 (cited by Quest Diagnostics Nichols Institute San Juan Capistrano and Ambry Genetics).